The following is an entry in ClinVar:

NM_000093.5(COL5A1):c.2952+1G>C

Gene: COL5A1 (collagen type V alpha 1 chain; plus strand). Cytogenetic location: 9q34.3.
Variant type: single nucleotide variant.
Coding change: c.2952+1G>C on transcript NM_000093.5 (MANE Select); the canonical splice donor site of the intron after coding-DNA position 2952, G replaced by C.
Molecular consequence: splice donor variant.
Genome position (GRCh38, 1-based): chr9:134,798,462, G>C. VCF-style: chr9-134798462-G-C. GRCh37 (hg19) VCF-style: chr9-137690308-G-C.
Other names: c.2952+1G>C (NM_001278074.1).
Identifiers: ClinVar variation 2032656 (VCV002032656.4), dbSNP rs2490774154, ClinGen allele CA375457714.

ClinVar aggregate classification (germline): Pathogenic (1 of 4 stars; one submission).

Conditions:
Ehlers-Danlos syndrome, classic type, 1 (EDSCL1). Also called: EHLERS-DANLOS SYNDROME, GRAVIS TYPE; EHLERS-DANLOS SYNDROME, SEVERE CLASSIC TYPE; Ehlers-Danlos syndrome, type 1; EDS I; Ehlers-Danlos Syndrome, Classic Type, COL5A1-Related. Identifiers: MedGen C0268335, MONDO:0019567, OMIM 130000.

Submission:

Labcorp Genetics (formerly Invitae), Labcorp
Classification: Pathogenic for Ehlers-Danlos syndrome, classic type, 1. Last evaluated: 2022-09-26. Review status: criteria provided, single submitter. Criteria: Invitae Variant Classification Sherloc (09022015). Collection method: clinical testing. Allele origin: germline.
Comment: Disruption of this splice site has been observed in individual(s) with clinical features of Ehlers-Danlos syndrome (Invitae). For these reasons, this variant has been classified as Pathogenic. Algorithms developed to predict the effect of sequence changes on RNA splicing suggest that this variant may disrupt the consensus splice site. This variant is not present in population databases (gnomAD no frequency). This sequence change affects a donor splice site in intron 37 of the COL5A1 gene. It is expected to disrupt RNA splicing. Variants that disrupt the donor or acceptor splice site typically lead to a loss of protein function (PMID: 16199547), and loss-of-function variants in COL5A1 are known to be pathogenic (PMID: 23587214).

Literature cited by the submitters: PubMed 16199547; PubMed 23587214.